The following is an entry in ClinVar:

ClinVar aggregate classification (germline): Uncertain significance (1 of 4 stars; one submission).

Conditions:
Wilson disease (WND). Also called: Wilson's disease. Identifiers: Orphanet 905, MedGen C0019202, MONDO:0010200, OMIM 277900. Disease mechanism: loss of function.

Submission:

All of Us Research Program, National Institutes of Health
Classification: Uncertain significance for Wilson disease. Last evaluated: 2024-05-14. Review status: criteria provided, single submitter. Criteria: ACMG Guidelines, 2015. Collection method: clinical testing. Allele origin: germline. Inheritance: Autosomal recessive inheritance. Observed: 1 variant allele, 1 heterozygote.
Comment: This missense variant replaces proline with alanine at codon 1037 of the ATP7B protein. Computational prediction suggests that this variant may have deleterious impact on protein structure and function. To our knowledge, functional studies have not been reported for this variant. This variant has not been reported in individuals affected with ATP7B-related disorders in the literature. This variant has not been identified in the general population by the Genome Aggregation Database (gnomAD). The available evidence is insufficient to determine the role of this variant in disease conclusively. Therefore, this variant is classified as a Variant of Uncertain Significance.

This study involves interpretation of variants in research participants for the purpose of population health screening. Participant phenotype was not available at the time of variant classification. Additional details can be found in publication PMID: 35346344, PMCID: PMC8962531

NM_000053.4(ATP7B):c.3109C>G (p.Pro1037Ala)

Gene: ATP7B (ATPase copper transporting beta; minus strand). Cytogenetic location: 13q14.3.
Variant type: single nucleotide variant.
Coding change: c.3109C>G on transcript NM_000053.4 (MANE Select); coding-DNA position 3109, C replaced by G.
Protein change: p.Pro1037Ala; replaces proline 1037 with alanine.
Molecular consequence: missense variant. On other transcripts: intron variant (1).
Genome position (GRCh38, 1-based): chr13:51,944,243, G>C on the plus strand (C>G on the coding strand, the complement: ATP7B is on the minus strand). VCF-style: chr13-51944243-G-C. GRCh37 (hg19) VCF-style: chr13-52518379-G-C.
Other names: c.2488C>G, p.Pro830Ala (NM_001005918.3); c.2776C>G, p.Pro926Ala (NM_001243182.2); c.2875C>G, p.Pro959Ala (NM_001330578.2, NM_001406527.1, NM_001406528.1 and 1 more transcripts); c.2857C>G, p.Pro953Ala (NM_001330579.2, NM_001406531.1, NM_001406532.1); c.3109C>G, p.Pro1037Ala (NM_001406511.1, NM_001406512.1, NM_001406526.1); c.3103C>G, p.Pro1035Ala (NM_001406513.1); c.2932C>G, p.Pro978Ala (NM_001406524.1); c.2914C>G, p.Pro972Ala (NM_001406525.1); and 19 more; short protein forms P1005A, P1019A, P1026A, P1035A, P1037A, P607A, P756A, P810A.
Identifiers: ClinVar variation 3387533 (VCV003387533.1).